The following is an entry in ClinVar:

ClinVar aggregate classification (germline): Uncertain significance (1 of 4 stars; one submission).

Submission:

GeneDx
Classification: Uncertain significance. Last evaluated: 2023-08-02. Review status: criteria provided, single submitter. Criteria: GeneDx Variant Classification Process June 2021. Collection method: clinical testing. Allele origin: germline. Affected: yes.
Comment: Frameshift variant predicted to result in protein truncation as the last 28 amino acids are replaced with 12 different amino acids, although loss-of-function variants have not been reported downstream of this position in the protein; Not observed at significant frequency in large population cohorts (gnomAD); Has not been previously published as pathogenic or benign to our knowledge

NM_001348716.2(KDM6B):c.4908+53dup

Gene: KDM6B (lysine demethylase 6B; plus strand). Cytogenetic location: 17p13.1.
Variant type: Duplication.
Coding change: c.4908+53dup on transcript NM_001348716.2 (MANE Select); 53 bases into the intron after coding-DNA position 4908, one base duplicated (C; older notation c.4908+53dupC).
Molecular consequence: intron variant. On other transcripts: frameshift variant (1).
Genome position (GRCh38, 1-based): chr17:7,853,433, C duplicated. VCF-style (leftmost placement, unchanged base first): chr17-7853432-G-GC. GRCh37 (hg19) VCF-style: chr17-7756750-G-GC.
Other names: c.4961dup, p.Gly1655fs (NM_001080424.2); short protein forms G1655fs.
Identifiers: ClinVar variation 3361706 (VCV003361706.1).
Genomic context (GRCh38, chr17:7,853,432, plus strand): 5'-TTCACGCTGGTGAGGGCCCGGCGGGCGCGCGGGCAGCGGAGGAGGGCACTGGGGCAGGCT[G>GC]CAGGGACGGGCTTCGGGAGCCCGGCCGCGCCTTTCCCTGAGCCCCCGCCGGCTTTCTCCC-3'